The following is an entry in ClinVar:

NM_005720.4(ARPC1B):c.989+6A>T

Gene: ARPC1B (actin related protein 2/3 complex subunit 1B; plus strand). Cytogenetic location: 7q22.1.
Variant type: single nucleotide variant.
Coding change: c.989+6A>T on transcript NM_005720.4 (MANE Select); 6 bases into the intron after coding-DNA position 989, A replaced by T.
Molecular consequence: intron variant.
Genome position (GRCh38, 1-based): chr7:99,392,882, A>T. VCF-style: chr7-99392882-A-T. GRCh37 (hg19) VCF-style: chr7-98990505-A-T.
Identifiers: ClinVar variation 2023441 (VCV002023441.4), dbSNP rs773868499, ClinGen allele CA4364165.

ClinVar aggregate classification (germline): Uncertain significance (1 of 4 stars; one submission).

Allele frequency attached by ClinVar (database versions not stated): gnomAD exomes below 0.00001.
gnomAD v4.1: 2 of 1,531,704 alleles (0.00013%); highest among the groups gnomAD compares: Non-Finnish European, 0.00018%; no homozygotes.

Submission:

Labcorp Genetics (formerly Invitae), Labcorp
Classification: Uncertain significance. Last evaluated: 2022-08-10. Review status: criteria provided, single submitter. Criteria: Invitae Variant Classification Sherloc (09022015). Collection method: clinical testing. Allele origin: germline.
Comment: In summary, the available evidence is currently insufficient to determine the role of this variant in disease. Therefore, it has been classified as a Variant of Uncertain Significance. Variants that disrupt the consensus splice site are a relatively common cause of aberrant splicing (PMID: 17576681, 9536098). Algorithms developed to predict the effect of sequence changes on RNA splicing suggest that this variant is not likely to affect RNA splicing. This variant has not been reported in the literature in individuals affected with ARPC1B-related conditions. This variant is not present in population databases (gnomAD no frequency). This sequence change falls in intron 8 of the ARPC1B gene. It does not directly change the encoded amino acid sequence of the ARPC1B protein. It affects a nucleotide within the consensus splice site.

Literature cited by the submitters: PubMed 17576681; PubMed 9536098.